The following is an entry in ClinVar:

NM_000179.3(MSH6):c.3223T>C (p.Cys1075Arg)

Gene: MSH6 (mutS homolog 6; plus strand). Cytogenetic location: 2p16.3.
Variant type: single nucleotide variant.
Coding change: c.3223T>C on transcript NM_000179.3 (MANE Select); coding-DNA position 3223, T replaced by C.
Protein change: p.Cys1075Arg; replaces cysteine 1075 with arginine.
Molecular consequence: missense variant.
Genome position (GRCh38, 1-based): chr2:47,803,470, T>C. VCF-style: chr2-47803470-T-C. GRCh37 (hg19) VCF-style: chr2-48030609-T-C.
Other names: c.2833T>C, p.Cys945Arg (NM_001281492.2); c.2317T>C, p.Cys773Arg (NM_001281493.2, NM_001281494.2, NM_001406811.1 and 6 more transcripts); c.3319T>C, p.Cys1107Arg (NM_001406795.1, NM_001406802.1); c.3223T>C, p.Cys1075Arg (NM_001406796.1, NM_001406800.1, NM_001406808.1 and 1 more transcripts); c.2926T>C, p.Cys976Arg (NM_001406797.1, NM_001406801.1, NM_001406805.1 and 10 more transcripts); c.2698T>C, p.Cys900Arg (NM_001406799.1, NM_001406806.1, NM_001406807.1); c.2359T>C, p.Cys787Arg (NM_001406803.1); c.3145T>C, p.Cys1049Arg (NM_001406804.1); and 6 more; short protein forms C2R, C390R, C553R, C1107R, C1049R, C1075R, C24R, C773R.
Identifiers: ClinVar variation 2047825 (VCV002047825.4), dbSNP rs1553331300, ClinGen allele CA346758003.

ClinVar aggregate classification (germline): Uncertain significance (1 of 4 stars; one submission).

Conditions:
Hereditary nonpolyposis colorectal neoplasms. Identifiers: MedGen C0009405, MeSH D003123.

Submission:

Labcorp Genetics (formerly Invitae), Labcorp
Classification: Uncertain significance for Hereditary nonpolyposis colorectal neoplasms. Last evaluated: 2022-10-18. Review status: criteria provided, single submitter. Criteria: Invitae Variant Classification Sherloc (09022015). Collection method: clinical testing. Allele origin: germline.
Comment: This sequence change replaces cysteine, which is neutral and slightly polar, with arginine, which is basic and polar, at codon 1075 of the MSH6 protein (p.Cys1075Arg). This variant is not present in population databases (gnomAD no frequency). This variant has not been reported in the literature in individuals affected with MSH6-related conditions. Advanced modeling of protein sequence and biophysical properties (such as structural, functional, and spatial information, amino acid conservation, physicochemical variation, residue mobility, and thermodynamic stability) has been performed at Invitae for this missense variant, however the output from this modeling did not meet the statistical confidence thresholds required to predict the impact of this variant on MSH6 protein function. In summary, the available evidence is currently insufficient to determine the role of this variant in disease. Therefore, it has been classified as a Variant of Uncertain Significance.